The following is an entry in ClinVar:

ClinVar aggregate classification (germline): Pathogenic (1 of 4 stars; one submission).

Submission:

Labcorp Genetics (formerly Invitae), Labcorp
Classification: Pathogenic. Last evaluated: 2019-08-26. Review status: criteria provided, single submitter. Criteria: Invitae Variant Classification Sherloc (09022015). Collection method: clinical testing. Allele origin: germline.
Comment: This variant is an out-of-frame deletion of the genomic region encompassing exons 4-6 of the CDH23 gene. This is expected to create a premature translational stop signal and result in an absent or disrupted protein product. This variant has not been reported in the literature in individuals with a CDH23-related disease. Loss-of-function variants in CDH23 are known to be pathogenic (PMID: 11138009, 21940737). For these reasons, this variant has been classified as Pathogenic.

NC_000010.11:g.(?_71510072)_(71511222_?)del

Gene: CDH23 (cadherin related 23; plus strand). Cytogenetic location: 10q22.1.
Variant type: Deletion.
Identifiers: ClinVar variation 831420 (VCV000831420.1).